The following is an entry in ClinVar:

NM_020247.5(COQ8A):c.1198C>T (p.Arg400Trp)

Gene: COQ8A (coenzyme Q8A; plus strand). Cytogenetic location: 1q42.13.
Variant type: single nucleotide variant.
Coding change: c.1198C>T on transcript NM_020247.5 (MANE Select); coding-DNA position 1198, C replaced by T.
Protein change: p.Arg400Trp; replaces arginine 400 with tryptophan.
Molecular consequence: missense variant.
Genome position (GRCh38, 1-based): chr1:226,983,796, C>T. VCF-style: chr1-226983796-C-T. GRCh37 (hg19) VCF-style: chr1-227171497-C-T.
Other names: NC_000001.10:g.227171497C>T; short protein forms R400W.
Identifiers: ClinVar variation 391485 (VCV000391485.5), dbSNP rs541836846, ClinGen allele CA1425358.

ClinVar aggregate classification (germline): Uncertain significance. Review status: criteria provided, multiple submitters, no conflicts (2 of 4 stars). 3 submissions from 3 submitters: Uncertain significance (3). Last evaluated 2024-02-17.

Conditions:
Inborn genetic diseases. Identifiers: MedGen C0950123, MeSH D030342.

Allele frequency attached by ClinVar (database versions not stated): TOPMed 0.00002; 1000 Genomes Project 0.00040; 1000 Genomes Project 30x 0.00047; gnomAD 0.00006.

Submissions (4):

Ambry Genetics
Classification: Uncertain significance for Inborn genetic diseases. Last evaluated: 2024-02-17. Review status: criteria provided, single submitter. Criteria: Ambry Variant Classification Scheme 2023. Collection method: clinical testing. Allele origin: germline.

Athena Diagnostics
Classification: Uncertain significance. Last evaluated: 2023-03-31. Review status: criteria provided, single submitter. Criteria: Athena Diagnostics Criteria. Collection method: clinical testing. Allele origin: unknown.
Comment: Available data are insufficient to determine the clinical significance of the variant at this time. The frequency of this variant in the general population is higher than would generally be expected for pathogenic variants in this gene. Computational tools yielded predictions that this variant may result in the gain of a cryptic splice site without affecting the natural splice sites.

GeneDx
Classification: Uncertain significance. Last evaluated: 2016-12-20. Review status: criteria provided, single submitter. Criteria: GeneDx Variant Classification (06012015). Collection method: clinical testing. Allele origin: germline. Affected: yes.
Comment: The R400W variant in the ADCK3 gene has not been reported previously as a pathogenic variant, nor as a benign variant, to our knowledge. The R400W variant was not observed in approximately 6,500 individuals of European and African American ancestry in the NHLBI Exome Sequencing Project, indicating it is not a common benign variant in these populations. The R400W variant is a non-conservative amino acid substitution, which is likely to impact secondary protein structure as these residues differ in polarity, charge, size and/or other properties. This substitution occurs at a position that is conserved across species. In silico analysis predicts this variant is probably damaging to the protein structure/function. As an alternate mechanism, this variant (c.1198 C>T) may create a cryptic splice donor site upstream of the natural splice donor site of intron 10, which may cause abnormal splicing. However, in the absence of RNA/functional studies, the actual effect of this sequence change is unknown. We interpret R400W as a variant of uncertain significance.

Dr. Peter K. Rogan Lab, Western University
No classification provided (evidence only). Condition: Nonpapillary renal cell carcinoma. Review status: no classification provided. Collection method: in vitro. Allele origin: not applicable. Functional consequence: skipped exon. Not counted in ClinVar's aggregate classification.